The following is an entry in ClinVar:

NM_018063.5(HELLS):c.1488+4T>C

Gene: HELLS (helicase, lymphoid specific; plus strand). Cytogenetic location: 10q23.33.
Variant type: single nucleotide variant.
Coding change: c.1488+4T>C on transcript NM_018063.5 (MANE Select); 4 bases into the intron after coding-DNA position 1488, T replaced by C.
Molecular consequence: intron variant.
Genome position (GRCh38, 1-based): chr10:94,588,394, T>C. VCF-style: chr10-94588394-T-C. GRCh37 (hg19) VCF-style: chr10-96348151-T-C.
Other names: c.1116+4T>C (NM_001289071.2); c.1626+4T>C (NM_001289067.2); c.270+4T>C (NM_001289075.2); c.1194+4T>C (NM_001289070.2); c.405+4T>C (NM_001289074.2); c.1392+4T>C (NM_001289069.2); c.1098+4T>C (NM_001289072.2); c.1074+4T>C (NM_001289073.2); and 1 more.
Identifiers: ClinVar variation 1988987 (VCV001988987.5), dbSNP rs962535484, ClinGen allele CA211673177.

ClinVar aggregate classification (germline): Uncertain significance. Review status: criteria provided, multiple submitters, no conflicts (2 of 4 stars). 2 submissions from 2 submitters: Uncertain significance (2). Last evaluated 2024-08-05.

Allele frequency attached by ClinVar (database versions not stated): gnomAD exomes below 0.00001; gnomAD 0.00001; TOPMed 0.00005.
gnomAD v4.1: 8 of 1,570,038 alleles (0.00051%); highest among the groups gnomAD compares: African/African-American, 0.011%; no homozygotes.

Submissions (2):

Women's Health and Genetics/Laboratory Corporation of America, LabCorp
Classification: Uncertain significance. Last evaluated: 2024-08-05. Review status: criteria provided, single submitter. Criteria: LabCorp Variant Classification Summary - May 2015. Collection method: clinical testing. Allele origin: germline.

Labcorp Genetics (formerly Invitae), Labcorp
Classification: Uncertain significance. Last evaluated: 2022-02-25. Review status: criteria provided, single submitter. Criteria: Invitae Variant Classification Sherloc (09022015). Collection method: clinical testing. Allele origin: germline.
Comment: This sequence change falls in intron 13 of the HELLS gene. It does not directly change the encoded amino acid sequence of the HELLS protein. It affects a nucleotide within the consensus splice site. In summary, the available evidence is currently insufficient to determine the role of this variant in disease. Therefore, it has been classified as a Variant of Uncertain Significance. Variants that disrupt the consensus splice site are a relatively common cause of aberrant splicing (PMID: 17576681, 9536098). Algorithms developed to predict the effect of sequence changes on RNA splicing suggest that this variant is not likely to affect RNA splicing. This variant has not been reported in the literature in individuals affected with HELLS-related conditions. This variant is not present in population databases (gnomAD no frequency).

Literature cited by the submitters: PubMed 17576681 (cited by Labcorp Genetics (formerly Invitae), Labcorp); PubMed 9536098 (cited by Labcorp Genetics (formerly Invitae), Labcorp).